The following is an entry in ClinVar:

ClinVar aggregate classification (germline): Conflicting classifications of pathogenicity. Review status: criteria provided, conflicting classifications (1 of 4 stars). 2 submissions from 2 submitters: Uncertain significance (1); Likely benign (1). Last evaluated 2025-07-01.

Conditions:
BAZ2B-related disorder. Also called: BAZ2B-related condition.
Inborn genetic diseases. Identifiers: MedGen C0950123, MeSH D030342.

gnomAD v4.1: 79 of 1,613,648 alleles (0.0049%); highest among the groups gnomAD compares: Non-Finnish European, 0.0058%; no homozygotes.

Submissions (2):

PreventionGenetics, part of Exact Sciences
Classification: Uncertain significance for BAZ2B-related condition. Last evaluated: 2025-07-01. Review status: criteria provided, single submitter. Criteria: ACMG Guidelines, 2015. Collection method: clinical testing. Allele origin: germline.
Comment: The BAZ2B c.4732C>T variant is predicted to result in the amino acid substitution p.Pro1578Ser. To our knowledge, this variant has not been reported in the literature. This variant is reported in 0.0078% of alleles in individuals of European (Non-Finnish) descent in gnomAD. At this time, the clinical significance of this variant is uncertain due to the absence of conclusive functional and genetic evidence.

Ambry Genetics
Classification: Likely benign for Inborn genetic diseases. Last evaluated: 2025-03-19. Review status: criteria provided, single submitter. Criteria: Ambry Variant Classification Scheme 2023. Collection method: clinical testing. Allele origin: germline.

NM_013450.4(BAZ2B):c.4840C>T (p.Pro1614Ser)

Genes: BAZ2B (bromodomain adjacent to zinc finger domain 2B; minus strand), LOC126806390 (CDK7 strongly-dependent group 2 enhancer GRCh37_chr2:160205700-160206899; plus strand). Cytogenetic location: 2q24.2.
Variant type: single nucleotide variant.
Coding change: c.4840C>T on transcript NM_013450.4 (MANE Select); coding-DNA position 4840, C replaced by T.
Protein change: p.Pro1614Ser; replaces proline 1614 with serine.
Molecular consequence: missense variant.
Genome position (GRCh38, 1-based): chr2:159,349,731, G>A on the plus strand (C>T on the coding strand, the complement: BAZ2B is on the minus strand). VCF-style: chr2-159349731-G-A. GRCh37 (hg19) VCF-style: chr2-160206242-G-A.
Other names: c.4732C>T, p.Pro1578Ser (NM_001289975.1); c.4678C>T, p.Pro1560Ser (NM_001329857.2); c.4765C>T, p.Pro1589Ser (NM_001329858.2); short protein forms P1589S, P1560S, P1578S, P1614S.
Identifiers: ClinVar variation 3989725 (VCV003989725.2).
Genomic context (GRCh38, chr2:159,349,731, plus strand): 5'-AGCAATATAAAAATGAGTTACAGTTAGCAGTACTAACCTGAAGAGGTGATAAAGCAAATG[G>A]ATTTAAGCCAACAGGATTCTGAGCAGAAGATCCAAGAGGAGCTGGGGTAGGTGAAGGTGA-3'
Protein context (NP_038478.2, residues 1604-1624): SSAQNPVGLN[Pro1614Ser]FALSPLQVKG